The following is an entry in ClinVar:

ClinVar aggregate classification (germline): Uncertain significance (1 of 4 stars; one submission).

Allele frequency attached by ClinVar (database versions not stated): gnomAD exomes below 0.00001; gnomAD 0.00003 and 0.00004; TOPMed 0.00005.
gnomAD v4.1: 10 of 1,613,600 alleles (0.00062%); highest among the groups gnomAD compares: Middle Eastern, 0.016%; no homozygotes.

Submission:

Labcorp Genetics (formerly Invitae), Labcorp
Classification: Uncertain significance. Last evaluated: 2025-08-26. Review status: criteria provided, single submitter. Criteria: Invitae Variant Classification Sherloc (09022015). Collection method: clinical testing. Allele origin: germline.
Comment: This sequence change replaces alanine, which is neutral and non-polar, with glycine, which is neutral and non-polar, at codon 1068 of the CACNA1D protein (p.Ala1068Gly). The frequency data for this variant in the population databases is considered unreliable, as metrics indicate poor data quality at this position in the gnomAD database. This variant has not been reported in the literature in individuals affected with CACNA1D-related conditions. ClinVar contains an entry for this variant (Variation ID: 1523397). Invitae Evidence Modeling of protein sequence and biophysical properties (such as structural, functional, and spatial information, amino acid conservation, physicochemical variation, residue mobility, and thermodynamic stability) indicates that this missense variant is not expected to disrupt CACNA1D protein function with a negative predictive value of 80%. In summary, the available evidence is currently insufficient to determine the role of this variant in disease. Therefore, it has been classified as a Variant of Uncertain Significance.

NM_001128840.3(CACNA1D):c.3143C>G (p.Ala1048Gly)

Gene: CACNA1D (calcium voltage-gated channel subunit alpha1 D; plus strand). Cytogenetic location: 3p21.1.
Variant type: single nucleotide variant.
Coding change: c.3143C>G on transcript NM_001128840.3 (MANE Select); coding-DNA position 3143, C replaced by G.
Protein change: p.Ala1048Gly; replaces alanine 1048 with glycine.
Molecular consequence: missense variant.
Genome position (GRCh38, 1-based): chr3:53,745,851, C>G. VCF-style: chr3-53745851-C-G. GRCh37 (hg19) VCF-style: chr3-53779878-C-G.
Other names: c.3203C>G, p.Ala1068Gly (NM_000720.4); c.3143C>G, p.Ala1048Gly (NM_001128839.3); short protein forms A1068G, A1048G.
Identifiers: ClinVar variation 1523397 (VCV001523397.6), dbSNP rs992180214, ClinGen allele CA74868693.